The following is an entry in ClinVar:

ClinVar aggregate classification (germline): Uncertain significance. Review status: criteria provided, multiple submitters, no conflicts (2 of 4 stars). 2 submissions from 2 submitters: Uncertain significance (2). Last evaluated 2025-12-16.

Conditions:
Inborn genetic diseases. Identifiers: MedGen C0950123, MeSH D030342.

Allele frequency attached by ClinVar (database versions not stated): gnomAD exomes 0.00001; ExAC 0.00003; gnomAD 0.00003; TOPMed 0.00005.
gnomAD v4.1: 27 of 1,613,508 alleles (0.0017%); highest among the groups gnomAD compares: Admixed American, 0.025%; no homozygotes.

Submissions (2):

Ambry Genetics
Classification: Uncertain significance for Inborn genetic diseases. Last evaluated: 2025-12-16. Review status: criteria provided, single submitter. Criteria: Ambry Variant Classification Scheme 2023. Collection method: clinical testing. Allele origin: germline.

Labcorp Genetics (formerly Invitae), Labcorp
Classification: Uncertain significance. Last evaluated: 2022-05-17. Review status: criteria provided, single submitter. Criteria: Invitae Variant Classification Sherloc (09022015). Collection method: clinical testing. Allele origin: germline.
Comment: This sequence change replaces isoleucine, which is neutral and non-polar, with threonine, which is neutral and polar, at codon 94 of the SLC25A38 protein (p.Ile94Thr). This variant is present in population databases (rs762067787, gnomAD 0.03%). This variant has not been reported in the literature in individuals affected with SLC25A38-related conditions. Algorithms developed to predict the effect of missense changes on protein structure and function are either unavailable or do not agree on the potential impact of this missense change (SIFT: "Tolerated"; PolyPhen-2: "Probably Damaging"; Align-GVGD: "Class C0"). In summary, the available evidence is currently insufficient to determine the role of this variant in disease. Therefore, it has been classified as a Variant of Uncertain Significance.

NM_017875.4(SLC25A38):c.281T>C (p.Ile94Thr)

Gene: SLC25A38 (solute carrier family 25 member 38; plus strand). Cytogenetic location: 3p22.1.
Variant type: single nucleotide variant.
Coding change: c.281T>C on transcript NM_017875.4 (MANE Select); coding-DNA position 281, T replaced by C.
Protein change: p.Ile94Thr; replaces isoleucine 94 with threonine.
Molecular consequence: missense variant.
Genome position (GRCh38, 1-based): chr3:39,391,445, T>C. VCF-style: chr3-39391445-T-C. GRCh37 (hg19) VCF-style: chr3-39432936-T-C.
Other names: c.281T>C, p.Ile94Thr (NM_001354798.2); c.281T>C (NM_017875.2); short protein forms I94T.
Identifiers: ClinVar variation 2176876 (VCV002176876.2), dbSNP rs762067787, ClinGen allele CA2327420.